The following is an entry in ClinVar:

NM_001365951.3(KIF1B):c.2989A>T (p.Ser997Cys)

Gene: KIF1B (kinesin family member 1B; plus strand). Cytogenetic location: 1p36.22.
Variant type: single nucleotide variant.
Coding change: c.2989A>T on transcript NM_001365951.3 (MANE Select); coding-DNA position 2989, A replaced by T.
Protein change: p.Ser997Cys; replaces serine 997 with cysteine.
Molecular consequence: missense variant.
Genome position (GRCh38, 1-based): chr1:10,334,584, A>T. VCF-style: chr1-10334584-A-T. GRCh37 (hg19) VCF-style: chr1-10394642-A-T.
Other names: c.2989A>T, p.Ser997Cys (NM_001365952.1); c.2851A>T, p.Ser951Cys (NM_015074.3); short protein forms S951C, S997C.
Identifiers: ClinVar variation 4754508 (VCV004754508.1).
Genomic context (GRCh38, chr1:10,334,584, plus strand): 5'-TTTGTTTACCTGAGCAATCTGCTGTATCCCGTGCCCCTGATCCACAGGGTGGCCATCGTC[A>T]GTGAGAAAGGTGAAGTGCGGGGATTTCTGCGTGTGGCTGTACAGGCCATCGCAGGTAGGT-3'
Protein context (NP_001352880.1, residues 987-1007): VPLIHRVAIV[Ser997Cys]EKGEVRGFLR

ClinVar aggregate classification (germline): Uncertain significance (1 of 4 stars; one submission).

Conditions:
Charcot-Marie-Tooth disease type 2. Also called: Charcot-Marie-Tooth type 2. Identifiers: Orphanet 64746, MedGen C0270914, MONDO:0018993.

Submission:

Labcorp Genetics (formerly Invitae), Labcorp
Classification: Uncertain significance for Charcot-Marie-Tooth disease type 2. Last evaluated: 2025-02-15. Review status: criteria provided, single submitter. Criteria: Invitae Variant Classification Sherloc (09022015). Collection method: clinical testing. Allele origin: germline.
Comment: This sequence change replaces serine, which is neutral and polar, with cysteine, which is neutral and slightly polar, at codon 951 of the KIF1B protein (p.Ser951Cys). This variant is not present in population databases (gnomAD no frequency). This variant has not been reported in the literature in individuals affected with KIF1B-related conditions. An algorithm developed to predict the effect of missense changes on protein structure and function (PolyPhen-2) suggests that this variant is likely to be tolerated. In summary, the available evidence is currently insufficient to determine the role of this variant in disease. Therefore, it has been classified as a Variant of Uncertain Significance.